The following is an entry in ClinVar:

ClinVar aggregate classification (germline): Uncertain significance (1 of 4 stars; one submission).

gnomAD v4.1: 18 of 1,614,066 alleles (0.0011%); highest among the groups gnomAD compares: Middle Eastern, 0.033%; no homozygotes.

Submission:

Labcorp Genetics (formerly Invitae), Labcorp
Classification: Uncertain significance. Last evaluated: 2025-11-26. Review status: criteria provided, single submitter. Criteria: Invitae Variant Classification Sherloc (09022015). Collection method: clinical testing. Allele origin: germline.
Comment: This sequence change replaces arginine, which is basic and polar, with cysteine, which is neutral and slightly polar, at codon 763 of the AXL protein (p.Arg763Cys). This variant is present in population databases (rs746364612, gnomAD 0.03%). This variant has not been reported in the literature in individuals affected with AXL-related conditions. Invitae Evidence Modeling of protein sequence and biophysical properties (such as structural, functional, and spatial information, amino acid conservation, physicochemical variation, residue mobility, and thermodynamic stability) indicates that this missense variant is not expected to disrupt AXL protein function with a negative predictive value of 80%. In summary, the available evidence is currently insufficient to determine the role of this variant in disease. Therefore, it has been classified as a Variant of Uncertain Significance.

NM_021913.5(AXL):c.2287C>T (p.Arg763Cys)

Gene: AXL (AXL receptor tyrosine kinase; plus strand). Cytogenetic location: 19q13.2.
Variant type: single nucleotide variant.
Coding change: c.2287C>T on transcript NM_021913.5 (MANE Select); coding-DNA position 2287, C replaced by T.
Protein change: p.Arg763Cys; replaces arginine 763 with cysteine.
Molecular consequence: missense variant.
Genome position (GRCh38, 1-based): chr19:41,257,583, C>T. VCF-style: chr19-41257583-C-T. GRCh37 (hg19) VCF-style: chr19-41763488-C-T.
Other names: c.1483C>T, p.Arg495Cys (NM_001278599.2); c.2260C>T, p.Arg754Cys (NM_001699.6); short protein forms R763C, R495C, R754C.
Identifiers: ClinVar variation 4740858 (VCV004740858.1).